The following is an entry in ClinVar:

NM_144999.4(LRRC45):c.255C>T (p.Asn85=)

Gene: LRRC45 (leucine rich repeat containing 45; plus strand). Cytogenetic location: 17q25.3.
Variant type: single nucleotide variant.
Coding change: c.255C>T on transcript NM_144999.4 (MANE Select); coding-DNA position 255, C replaced by T.
Protein change: p.Asn85=; no amino-acid change (asparagine 85 retained).
Molecular consequence: synonymous variant.
Genome position (GRCh38, 1-based): chr17:82,024,312, C>T. VCF-style: chr17-82024312-C-T. GRCh37 (hg19) VCF-style: chr17-79982188-C-T.
Identifiers: ClinVar variation 5001170 (VCV005001170.1).

ClinVar aggregate classification (germline): Likely benign (1 of 4 stars; one submission).

Conditions:
LRRC45-related disorder. Also called: LRRC45-related condition.

gnomAD v4.1: 2 of 1,612,514 alleles (0.00012%); highest among the groups gnomAD compares: Admixed American, 0.0033%; no homozygotes.

Submission:

PreventionGenetics, part of Exact Sciences
Classification: Likely benign for LRRC45-related condition. Last evaluated: 2026-08-03. Review status: criteria provided, single submitter. Criteria: ACMG Guidelines, 2015. Collection method: clinical testing. Allele origin: germline.
Comment: This variant is classified as likely benign based on ACMG/AMP sequence variant interpretation guidelines (Richards et al. 2015 PMID: 25741868, with internal and published modifications).